The following is an entry in ClinVar:

NM_000238.4(KCNH2):c.2616C>T (p.Pro872=)

Gene: KCNH2 (potassium voltage-gated channel subfamily H member 2; minus strand). Cytogenetic location: 7q36.1.
Variant type: single nucleotide variant.
Coding change: c.2616C>T on transcript NM_000238.4 (MANE Select); coding-DNA position 2616, C replaced by T.
Protein change: p.Pro872=; no amino-acid change (proline 872 retained).
Molecular consequence: synonymous variant.
Genome position (GRCh38, 1-based): chr7:150,948,520, G>A on the plus strand (C>T on the coding strand, the complement: KCNH2 is on the minus strand). VCF-style: chr7-150948520-G-A. GRCh37 (hg19) VCF-style: chr7-150645608-G-A.
Other names: c.1596C>T, p.Pro532= (NM_172057.3); c.1596C>T (NM_172057.2).
Identifiers: ClinVar variation 456913 (VCV000456913.33), dbSNP rs374296728, ClinGen allele CA033489.
Genomic context (GRCh38, chr7:150,948,520, plus strand): 5'-GCGGAAGGACAACTTGCGCTTGCGTTGCCGACTGAAGCCACCCTCTAACTCCGTACTGCC[G>A]GGGGAGCCCGGGATCATGTTGGTCTGGAACCAAAATCAGTATCAGGGCCCTTTCAGTGCT-3'
Protein context (NP_000229.1, residues 862-882): LRDTNMIPGS[Pro872=]GSTELEGGFS

ClinVar aggregate classification (germline): Likely benign. Review status: criteria provided, multiple submitters, no conflicts (2 of 4 stars). 8 submissions from 8 submitters: Likely benign (7). 1 of the submissions does not count toward it. Last evaluated 2026-01-13.

Conditions:
KCNH2-related disorder. Also called: KCNH2-related condition; KCNH2-related disorders.
Cardiac arrhythmia. Also called: Cardiac rhythm disease; Arrhythmia. Identifiers: MedGen C0003811, MONDO:0007263, HP:0011675.
Cardiovascular phenotype. Identifiers: MedGen CN230736.
Long QT syndrome (LQTS). Identifiers: MedGen C0023976, MeSH D008133, MONDO:0002442. Disease mechanism: loss of function. Inheritance: Various modes of inheritance.

Allele frequency attached by ClinVar (database versions not stated): gnomAD exomes 0.00002; ExAC 0.00003; gnomAD 0.00010 and 0.00011; TOPMed 0.00011; ESP Exome Variant Server 0.00023.
gnomAD v4.1: 103 of 1,600,484 alleles (0.0064%); highest among the groups gnomAD compares: African/African-American, 0.017%; no homozygotes.

Submissions (8):

Labcorp Genetics (formerly Invitae), Labcorp
Classification: Likely benign for Long QT syndrome. Last evaluated: 2026-01-13. Review status: criteria provided, single submitter. Criteria: Invitae Variant Classification Sherloc (09022015). Collection method: clinical testing. Allele origin: germline.

All of Us Research Program, National Institutes of Health
Classification: Likely benign for Long QT syndrome. Last evaluated: 2023-12-13. Review status: criteria provided, single submitter. Criteria: ACMG Guidelines, 2015. Collection method: clinical testing. Allele origin: germline. Inheritance: Autosomal dominant inheritance. Observed: 10 variant alleles, 10 heterozygotes.
Comment: This study involves interpretation of variants in research participants for the purpose of population health screening. Participant phenotype was not available at the time of variant classification. Additional details can be found in publication PMID: 35346344, PMCID: PMC8962531

Blueprint Genetics
Classification: Likely benign. Last evaluated: 2023-01-31. Review status: criteria provided, single submitter. Criteria: ACMG Guidelines, 2015. Collection method: clinical testing. Allele origin: germline.

Ambry Genetics
Classification: Likely benign for Cardiovascular phenotype. Last evaluated: 2019-09-02. Review status: criteria provided, single submitter. Criteria: Ambry Variant Classification Scheme 2023. Collection method: clinical testing. Allele origin: germline.

Color Diagnostics, LLC DBA Color Health
Classification: Likely benign for Arrhythmia. Last evaluated: 2018-07-09. Review status: criteria provided, single submitter. Criteria: ACMG Guidelines, 2015. Collection method: clinical testing. Allele origin: germline.

Women's Health and Genetics/Laboratory Corporation of America, LabCorp
Classification: Likely benign. Last evaluated: 2016-04-04. Review status: criteria provided, single submitter. Criteria: LabCorp Variant Classification Summary - May 2015. Collection method: clinical testing. Allele origin: germline.
Comment: Variant summary: The c.2616C>T variant affects a non-conserved nucleotide, resulting in no amino acid change. One in-silico tool predicts damaging outcome for this variant. 5/5 programs in Alamut predict that this variant does not affect normal splicing. ESE finder predicts that this variant may affect multiple ESE sites. However, these predictions are not confirmed by experimental studies. This variant is found in 3/4406 AFrican American control chromosomes (ESP) at a frequency of 0.00068089, which is about 7 times of the maximal expected frequency of a pathogenic allele (0.0001). The variant of interest has not, to our knowledge, been reported in affected individuals via publications and/or reputable databases/clinical laboratories; nor evaluated for functional impact by in vivo/vitro studies. Taken together, this variant was classified as Likely Benign.

Breakthrough Genomics
Classification: Likely benign. Review status: criteria provided, single submitter. Criteria: ACMG Guidelines, 2015. Collection method: not provided. Allele origin: germline. Inheritance: Autosomal dominant inheritance. Affected: yes.

PreventionGenetics, part of Exact Sciences
Classification: Likely benign for KCNH2-related condition. Last evaluated: 2022-06-02. Review status: no assertion criteria provided. Collection method: clinical testing. Allele origin: germline. Not counted in ClinVar's aggregate classification.
Comment: This variant is classified as likely benign based on ACMG/AMP sequence variant interpretation guidelines (Richards et al. 2015 PMID: 25741868, with internal and published modifications).